The following is an entry in ClinVar:

NM_004606.5(TAF1):c.247A>C (p.Ser83Arg)

Gene: TAF1 (TATA-box binding protein associated factor 1; plus strand). Cytogenetic location: Xq13.1.
Variant type: single nucleotide variant.
Coding change: c.247A>C on transcript NM_004606.5 (MANE Select); coding-DNA position 247, A replaced by C.
Protein change: p.Ser83Arg; replaces serine 83 with arginine.
Molecular consequence: missense variant. On other transcripts: non-coding transcript variant (9).
Genome position (GRCh38, 1-based): chrX:71,368,065, A>C. VCF-style: chrX-71368065-A-C. GRCh37 (hg19) VCF-style: chrX-70587915-A-C.
Other names: c.247A>C, p.Ser83Arg (NM_001286074.2, NM_138923.4); short protein forms S83R.
Identifiers: ClinVar variation 929100 (VCV000929100.1), dbSNP rs2032701000, ClinGen allele CA413504875.

ClinVar aggregate classification (germline): Uncertain significance (1 of 4 stars; one submission).

Submission:

Women's Health and Genetics/Laboratory Corporation of America, LabCorp
Classification: Uncertain significance. Last evaluated: 2019-02-26. Review status: criteria provided, single submitter. Criteria: LabCorp Variant Classification Summary - May 2015. Collection method: clinical testing. Allele origin: germline.
Comment: Variant summary: The variant, TAF1 c.307A>C (p.Ser103Arg) results in a non-conservative amino acid change in the encoded protein sequence. Four of five in-silico tools predict a damaging effect of the variant on protein function. The variant was absent in 178421 control chromosomes (gnomAD). The available data on variant occurrences in the general population are insufficient to allow any conclusion about variant significance. To our knowledge, no occurrence of c.307A>C in individuals affected with Mental retardation, X-linked, syndromic 33 and no experimental evidence demonstrating its impact on protein function have been reported. No clinical diagnostic laboratories have submitted clinical-significance assessments for this variant to ClinVar after 2014. Based on the evidence outlined above, the variant was classified as uncertain significance.